The following is an entry in ClinVar:

NM_000222.3(KIT):c.387C>G (p.Asp129Glu)

Gene: KIT (KIT proto-oncogene, receptor tyrosine kinase; plus strand). Cytogenetic location: 4q12.
Variant type: single nucleotide variant.
Coding change: c.387C>G on transcript NM_000222.3 (MANE Select); coding-DNA position 387, C replaced by G.
Protein change: p.Asp129Glu; replaces aspartic acid 129 with glutamic acid.
Molecular consequence: missense variant.
Genome position (GRCh38, 1-based): chr4:54,698,333, C>G. VCF-style: chr4-54698333-C-G. GRCh37 (hg19) VCF-style: chr4-55564499-C-G.
Other names: c.387C>G, p.Asp129Glu (NM_001093772.2, NM_001385284.1, NM_001385285.1 and 4 more transcripts); short protein forms D129E.
Identifiers: ClinVar variation 953979 (VCV000953979.10), dbSNP rs763100661, ClinGen allele CA2923233.

ClinVar aggregate classification (germline): Conflicting classifications of pathogenicity. Review status: criteria provided, conflicting classifications (1 of 4 stars). 2 submissions from 2 submitters: Uncertain significance (1); Likely benign (1). Last evaluated 2025-10-09.

Conditions:
Hereditary cancer-predisposing syndrome. Also called: Hereditary neoplastic syndrome; Neoplastic Syndromes, Hereditary; Hereditary Cancer Syndrome; Tumor predisposition. Identifiers: Orphanet 140162, MedGen C0027672, MeSH D009386, MONDO:0015356.
Gastrointestinal stromal tumor. Also called: Gastrointestinal stromal tumor, somatic; Gastrointestinal stroma tumor. Identifiers: Orphanet 44890, MedGen C0238198, MeSH D046152, MONDO:0011719, OMIM 606764, HP:0100723.

Allele frequency attached by ClinVar (database versions not stated): gnomAD exomes below 0.00001; ExAC 0.00001.
gnomAD v4.1: 1 of 1,614,080 alleles (0.000062%); highest among the groups gnomAD compares: Non-Finnish European, 0.000085%; no homozygotes.

Submissions (2):

Labcorp Genetics (formerly Invitae), Labcorp
Classification: Uncertain significance for Gastrointestinal stromal tumor. Last evaluated: 2025-10-09. Review status: criteria provided, single submitter. Criteria: Invitae Variant Classification Sherloc (09022015). Collection method: clinical testing. Allele origin: germline.
Comment: This sequence change replaces aspartic acid, which is acidic and polar, with glutamic acid, which is acidic and polar, at codon 129 of the KIT protein (p.Asp129Glu). This variant is present in population databases (rs763100661, gnomAD 0.002%). This variant has not been reported in the literature in individuals affected with KIT-related conditions. ClinVar contains an entry for this variant (Variation ID: 953979). An algorithm developed to predict the effect of missense changes on protein structure and function outputs the following: PolyPhen-2: "Benign". The glutamic acid amino acid residue is found in multiple mammalian species, which suggests that this missense change does not adversely affect protein function. In summary, the available evidence is currently insufficient to determine the role of this variant in disease. Therefore, it has been classified as a Variant of Uncertain Significance.

Ambry Genetics
Classification: Likely benign for Hereditary cancer-predisposing syndrome. Last evaluated: 2025-09-17. Review status: criteria provided, single submitter. Criteria: Ambry Variant Classification Scheme 2023. Collection method: clinical testing. Allele origin: germline.